The following is an entry in ClinVar:

NC_000007.13:g.(?_50358658)_(50611783_?)del

Genes: DDC (dopa decarboxylase; minus strand), FIGNL1 (fidgetin like 1; minus strand), IKZF1 (IKAROS family zinc finger 1; plus strand). Cytogenetic location: 7p12.2-12.1.
Variant type: Deletion.
Identifiers: ClinVar variation 3245894 (VCV003245894.1).

ClinVar aggregate classification (germline): Uncertain significance (1 of 4 stars; one submission).

Submission:

Labcorp Genetics (formerly Invitae), Labcorp
Classification: Uncertain significance. Last evaluated: 2023-12-20. Review status: criteria provided, single submitter. Criteria: Invitae Variant Classification Sherloc (09022015). Collection method: clinical testing. Allele origin: unknown.
Comment: A gross deletion of the genomic region encompassing the full coding sequence of the IKZF1 gene has been identified. The current clinical and genetic evidence is not sufficient to establish whether loss-of-function variants in IKZF1 cause disease. The boundaries of this event are unknown as they extend beyond the assayed region for this gene and therefore may encompass additional genes. Isolated whole-gene deletions of IKZF1 have not been reported in the literature. However, larger copy number events that include this gene have been reported (PMID: 15390181, 26981933, 27581358, 30004112). In summary, the available evidence is currently insufficient to determine the role of this variant in disease. Therefore, it has been classified as a Variant of Uncertain Significance.

Literature cited by the submitters: PubMed 15390181; PubMed 26981933; PubMed 27581358; PubMed 30004112.